The following is an entry in ClinVar:

ClinVar aggregate classification (germline): Pathogenic. Review status: criteria provided, multiple submitters, no conflicts (2 of 4 stars). 4 submissions from 4 submitters: Pathogenic (3). 1 of the submissions does not count toward it. Last evaluated 2024-01-21.

Conditions:
Nephronophthisis 1 (NPHP1). Also called: Nephronophthisis familial juvenile. Identifiers: Orphanet 655, Orphanet 93592, MedGen C1855681, MONDO:0009728, OMIM 256100.
NPHP1-related disorder. Also called: NPHP1-related condition; NPHP1-related disorders.
Nephronophthisis. Also called: Juvenile Nephronophthisis. Identifiers: Orphanet 655, MedGen C0687120, MONDO:0019005, HP:0000090.

Allele frequency attached by ClinVar (database versions not stated): gnomAD exomes below 0.00001.
gnomAD v4.1: 4 of 1,613,664 alleles (0.00025%); highest among the groups gnomAD compares: South Asian, 0.0022%; no homozygotes.

Submissions (4):

Labcorp Genetics (formerly Invitae), Labcorp
Classification: Pathogenic for Nephronophthisis. Last evaluated: 2024-01-21. Review status: criteria provided, single submitter. Criteria: Invitae Variant Classification Sherloc (09022015). Collection method: clinical testing. Allele origin: germline.
Comment: This sequence change affects an acceptor splice site in intron 11 of the NPHP1 gene. It is expected to disrupt RNA splicing. Variants that disrupt the donor or acceptor splice site typically lead to a loss of protein function (PMID: 16199547), and loss-of-function variants in NPHP1 are known to be pathogenic (PMID: 23559409). This variant is present in population databases (no rsID available, gnomAD 0.003%). Disruption of this splice site has been observed in individual(s) with clinical features of nephronophthisis (PMID: 23559409; Invitae). In at least one individual the data is consistent with being in trans (on the opposite chromosome) from a pathogenic variant. ClinVar contains an entry for this variant (Variation ID: 1433109). Algorithms developed to predict the effect of sequence changes on RNA splicing suggest that this variant may disrupt the consensus splice site. For these reasons, this variant has been classified as Pathogenic.

PreventionGenetics, part of Exact Sciences
Classification: Pathogenic for NPHP1-related condition. Last evaluated: 2023-07-15. Review status: criteria provided, single submitter. Criteria: ACMG Guidelines, 2015. Collection method: clinical testing. Allele origin: germline.
Comment: The NPHP1 c.1252-1G>T variant is predicted to disrupt the AG splice acceptor site and interfere with normal splicing. This variant was reported to be causative for nephronophthisis-related ciliopathy (Halbritter et al. 2013. PubMed ID: 23559409). This variant is reported in 0.0033% of alleles in individuals of South Asian descent in gnomAD. Variants that disrupt the consensus splice acceptor site in NPHP1 are expected to be pathogenic. This variant is interpreted as pathogenic.

Neuberg Centre For Genomic Medicine, NCGM
Classification: Pathogenic for Nephronophthisis 1. Review status: criteria provided, single submitter. Criteria: ACMG Guidelines, 2015. Collection method: clinical testing. Allele origin: germline. Inheritance: Autosomal recessive inheritance. Affected: yes.
Comment: The observed splice acceptor c.1084-1G>T variant in NPHP1 gene has been reported previously in homozygous or compound heterozygous state in individual(s) affected with nephronophthisis-related ciliopathy (Halbritter et al., 2013). This variant is reported with the allele frequency of 0.0004% in the gnomAD Exomes. This variant has been reported to the ClinVar database as Pathogenic. The variant affects AG acceptor splice site in the 3' end of intron 11. The spliceAI tool predicts that this splice site variant is likely damaging. This variant is predicted to cause loss of normal protein function through protein truncation. It is expected to disrupt RNA splicing. Variants that disrupt the donor or acceptor splice site typically lead to a loss of protein function (Baralle and Baralle, 2005). For these reasons, this variant has been classified as Pathogenic.

Genetics laboratory, Institute of Kidney Diseases & Research Centre Dr. H.L. Trivedi Institute Of Transplantation Sciences
Classification: Pathogenic for Nephronophthisis 1. Last evaluated: 2024-06-14. Review status: no assertion criteria provided. Collection method: clinical testing. Allele origin: germline. Inheritance: Autosomal recessive inheritance. Affected: yes. Observed: 1 variant allele, 1 homozygote. Not counted in ClinVar's aggregate classification.

Literature cited by the submitters: PubMed 16199547 (cited by Labcorp Genetics (formerly Invitae), Labcorp); PubMed 23559409 (cited by Labcorp Genetics (formerly Invitae), Labcorp).

NM_001128178.3(NPHP1):c.1084-1G>T

Genes: NPHP1 (nephrocystin 1; minus strand), LOC126806306 (P300/CBP strongly-dependent group 1 enhancer GRCh37_chr2:110906815-110908014; plus strand). Cytogenetic location: 2q13.
Variant type: single nucleotide variant.
Coding change: c.1084-1G>T on transcript NM_001128178.3 (MANE Select); the canonical splice acceptor site of the intron before coding-DNA position 1084, G replaced by T.
Molecular consequence: splice acceptor variant.
Genome position (GRCh38, 1-based): chr2:110,150,257, C>A on the plus strand (G>T on the coding strand, the complement: NPHP1 is on the minus strand). VCF-style: chr2-110150257-C-A. GRCh37 (hg19) VCF-style: chr2-110907834-C-A.
Other names: c.1252-1G>T (NM_000272.5, NM_000272.3); c.895-1G>T (NM_001128179.3); c.1081-1G>T (NM_001374256.1); c.1084-1G>T (NM_001374257.1); c.1249-1G>T (NM_207181.4).
Identifiers: ClinVar variation 1433109 (VCV001433109.10), dbSNP rs1458494785, ClinGen allele CA348088198.